The following is an entry in ClinVar:

NM_005045.4(RELN):c.8812G>A (p.Val2938Ile)

Genes: SLC26A5-AS1 (SLC26A5 antisense RNA 1; plus strand), RELN (reelin; minus strand). Cytogenetic location: 7q22.1.
Variant type: single nucleotide variant.
Coding change: c.8812G>A on transcript NM_005045.4 (MANE Select); coding-DNA position 8812, G replaced by A.
Protein change: p.Val2938Ile; replaces valine 2938 with isoleucine.
Molecular consequence: missense variant.
Genome position (GRCh38, 1-based): chr7:103,498,108, C>T on the plus strand (G>A on the coding strand, the complement: RELN is on the minus strand). VCF-style: chr7-103498108-C-T. GRCh37 (hg19) VCF-style: chr7-103138555-C-T.
Other names: c.8812G>A, p.Val2938Ile (NM_173054.3); c.8812G>A (NM_005045.3); short protein forms V2938I.
Identifiers: ClinVar variation 1905283 (VCV001905283.6), dbSNP rs754156411, ClinGen allele CA4420381.

ClinVar aggregate classification (germline): Conflicting classifications of pathogenicity. Review status: criteria provided, conflicting classifications (1 of 4 stars). 2 submissions from 2 submitters: Uncertain significance (1); Likely benign (1). Last evaluated 2025-12-22.

Conditions:
Familial temporal lobe epilepsy 7. Identifiers: Orphanet 101046, MedGen C4225327, MONDO:0014639, OMIM 616436.
Norman-Roberts syndrome (LIS2). Also called: Lissencephaly 2 (Norman-Roberts type). Identifiers: Orphanet 89844, MedGen C0796089, MONDO:0009760, OMIM 257320.
Inborn genetic diseases. Identifiers: MedGen C0950123, MeSH D030342.

Allele frequency attached by ClinVar (database versions not stated): ExAC 0.00001.
gnomAD v4.1: 2 of 1,614,126 alleles (0.00012%); highest among the groups gnomAD compares: South Asian, 0.0011%; no homozygotes.

Submissions (2):

Labcorp Genetics (formerly Invitae), Labcorp
Classification: Uncertain significance for Familial temporal lobe epilepsy 7; Norman-Roberts syndrome. Last evaluated: 2025-12-22. Review status: criteria provided, single submitter. Criteria: Invitae Variant Classification Sherloc (09022015). Collection method: clinical testing. Allele origin: germline.
Comment: This sequence change replaces valine, which is neutral and non-polar, with isoleucine, which is neutral and non-polar, at codon 2938 of the RELN protein (p.Val2938Ile). This variant is present in population databases (rs754156411, gnomAD 0.003%). This variant has not been reported in the literature in individuals affected with RELN-related conditions. ClinVar contains an entry for this variant (Variation ID: 1905283). Invitae Evidence Modeling of protein sequence and biophysical properties (such as structural, functional, and spatial information, amino acid conservation, physicochemical variation, residue mobility, and thermodynamic stability) indicates that this missense variant is not expected to disrupt RELN protein function with a negative predictive value of 80%. In summary, the available evidence is currently insufficient to determine the role of this variant in disease. Therefore, it has been classified as a Variant of Uncertain Significance.

Ambry Genetics
Classification: Likely benign for Inborn genetic diseases. Last evaluated: 2024-08-28. Review status: criteria provided, single submitter. Criteria: Ambry Variant Classification Scheme 2023. Collection method: clinical testing. Allele origin: germline.